The following is an entry in ClinVar:

ClinVar aggregate classification (germline): Uncertain significance (1 of 4 stars; one submission).

Submission:

Labcorp Genetics (formerly Invitae), Labcorp
Classification: Uncertain significance. Last evaluated: 2025-05-26. Review status: criteria provided, single submitter. Criteria: Invitae Variant Classification Sherloc (09022015). Collection method: clinical testing. Allele origin: germline.
Comment: This sequence change replaces valine, which is neutral and non-polar, with alanine, which is neutral and non-polar, at codon 17 of the COL2A1 protein (p.Val17Ala). This variant is not present in population databases (gnomAD no frequency). This variant has not been reported in the literature in individuals affected with COL2A1-related conditions. Invitae Evidence Modeling of protein sequence and biophysical properties (such as structural, functional, and spatial information, amino acid conservation, physicochemical variation, residue mobility, and thermodynamic stability) indicates that this missense variant is not expected to disrupt COL2A1 protein function with a negative predictive value of 95%. In summary, the available evidence is currently insufficient to determine the role of this variant in disease. Therefore, it has been classified as a Variant of Uncertain Significance.

NM_001844.5(COL2A1):c.50T>C (p.Val17Ala)

Gene: COL2A1 (collagen type II alpha 1 chain; minus strand). Cytogenetic location: 12q13.11.
Variant type: single nucleotide variant.
Coding change: c.50T>C on transcript NM_001844.5 (MANE Select); coding-DNA position 50, T replaced by C.
Protein change: p.Val17Ala; replaces valine 17 with alanine.
Molecular consequence: missense variant.
Genome position (GRCh38, 1-based): chr12:48,004,272, A>G on the plus strand (T>C on the coding strand, the complement: COL2A1 is on the minus strand). VCF-style: chr12-48004272-A-G. GRCh37 (hg19) VCF-style: chr12-48398055-A-G.
Other names: c.50T>C, p.Val17Ala (NM_033150.3); short protein forms V17A.
Identifiers: ClinVar variation 4801171 (VCV004801171.1).